The following is an entry in ClinVar:

NM_018052.5(VAC14):c.856A>G (p.Ile286Val)

Gene: VAC14 (VAC14 component of PIKFYVE complex; minus strand). Cytogenetic location: 16q22.1.
Variant type: single nucleotide variant.
Coding change: c.856A>G on transcript NM_018052.5 (MANE Select); coding-DNA position 856, A replaced by G.
Protein change: p.Ile286Val; replaces isoleucine 286 with valine.
Molecular consequence: missense variant.
Genome position (GRCh38, 1-based): chr16:70,781,959, T>C on the plus strand (A>G on the coding strand, the complement: VAC14 is on the minus strand). VCF-style: chr16-70781959-T-C. GRCh37 (hg19) VCF-style: chr16-70815862-T-C.
Other names: c.154A>G, p.Ile52Val (NM_001351157.2); short protein forms I52V, I286V.
Identifiers: ClinVar variation 1376111 (VCV001376111.3), dbSNP rs2033833185, ClinGen allele CA396608567.

ClinVar aggregate classification (germline): Uncertain significance (1 of 4 stars; one submission).

Allele frequency attached by ClinVar (database versions not stated): gnomAD exomes below 0.00001; TOPMed below 0.00001.
gnomAD v4.1: 1 of 1,614,050 alleles (0.000062%); highest among the groups gnomAD compares: Non-Finnish European, 0.000085%; no homozygotes.

Submission:

Labcorp Genetics (formerly Invitae), Labcorp
Classification: Uncertain significance. Last evaluated: 2021-12-03. Review status: criteria provided, single submitter. Criteria: Invitae Variant Classification Sherloc (09022015). Collection method: clinical testing. Allele origin: germline.
Comment: This sequence change replaces isoleucine, which is neutral and non-polar, with valine, which is neutral and non-polar, at codon 286 of the VAC14 protein (p.Ile286Val). This variant is not present in population databases (gnomAD no frequency). This variant has not been reported in the literature in individuals affected with VAC14-related conditions. Algorithms developed to predict the effect of missense changes on protein structure and function output the following: SIFT: "Tolerated"; PolyPhen-2: "Benign"; Align-GVGD: "Class C0". The valine amino acid residue is found in multiple mammalian species, which suggests that this missense change does not adversely affect protein function. In summary, the available evidence is currently insufficient to determine the role of this variant in disease. Therefore, it has been classified as a Variant of Uncertain Significance.